The following is an entry in ClinVar:

ClinVar aggregate classification (germline): Likely benign. Review status: criteria provided, single submitter (1 of 4 stars). 2 submissions from 2 submitters: Likely benign (1). 1 of the submissions does not count toward it. Last evaluated 2025-06-12.

Conditions:
MAGI2-related disorder. Also called: MAGI2-related condition.

Allele frequency attached by ClinVar (database versions not stated): ExAC 0.00006; 1000 Genomes Project 0.00020; 1000 Genomes Project 30x 0.00016; ESP Exome Variant Server 0.00015; TOPMed 0.00016; gnomAD exomes 0.00002; gnomAD 0.00013.
gnomAD v4.1: 47 of 1,608,440 alleles (0.0029%); highest among the groups gnomAD compares: African/African-American, 0.058%; no homozygotes.

Submissions (2):

Labcorp Genetics (formerly Invitae), Labcorp
Classification: Likely benign. Last evaluated: 2025-06-12. Review status: criteria provided, single submitter. Criteria: Invitae Variant Classification Sherloc (09022015). Collection method: clinical testing. Allele origin: germline.

PreventionGenetics, part of Exact Sciences
Classification: Likely benign for MAGI2-related condition. Last evaluated: 2019-11-06. Review status: no assertion criteria provided. Collection method: clinical testing. Allele origin: germline. Not counted in ClinVar's aggregate classification.
Comment: This variant is classified as likely benign based on ACMG/AMP sequence variant interpretation guidelines (Richards et al. 2015 PMID: 25741868, with internal and published modifications).

NM_012301.4(MAGI2):c.3951G>A (p.Ser1317=)

Gene: MAGI2 (membrane associated guanylate kinase, WW and PDZ domain containing 2; minus strand). Cytogenetic location: 7q21.11.
Variant type: single nucleotide variant.
Coding change: c.3951G>A on transcript NM_012301.4 (MANE Select); coding-DNA position 3951, G replaced by A.
Protein change: p.Ser1317=; no amino-acid change (serine 1317 retained).
Molecular consequence: synonymous variant.
Genome position (GRCh38, 1-based): chr7:78,019,732, C>T on the plus strand (G>A on the coding strand, the complement: MAGI2 is on the minus strand). VCF-style: chr7-78019732-C-T. GRCh37 (hg19) VCF-style: chr7-77649049-C-T.
Other names: c.3951G>A (NM_012301.3); c.3909G>A, p.Ser1303= (NM_001301128.2).
Identifiers: ClinVar variation 2732324 (VCV002732324.5), dbSNP rs375686934, ClinGen allele CA4313347.
Genomic context (GRCh38, chr7:78,019,732, plus strand): 5'-CCGCCCCTGGCCGCCGGGCGCCTCCTCGAGCCTCGGCCGCGCGGCCCTCTGCGGACTCGC[C>T]GAGCGCTCCCTCTGCTCCCCGAGGCGCTGCTTCTTCTGGCCGCAGGCTGAAAGCTCCTTT-3'
Protein context (NP_036433.2, residues 1307-1327): KQRLGEQRER[Ser1317=]ASPQRAARPR